The following is an entry in ClinVar:

ClinVar aggregate classification (germline): Likely benign. Review status: criteria provided, single submitter (1 of 4 stars). 2 submissions from 2 submitters: Likely benign (1). 1 of the submissions does not count toward it. Last evaluated 2016-09-30.

Conditions:
RAB39B-related disorder. Also called: RAB39B-related condition.
Inborn genetic diseases. Identifiers: MedGen C0950123, MeSH D030342.

Allele frequency attached by ClinVar (database versions not stated): ExAC 0.00001; gnomAD 0.00001 and 0.00003; gnomAD exomes 0.00001; TOPMed 0.00001; 1000 Genomes Project 0.00026; 1000 Genomes Project 30x 0.00062.
gnomAD v4.1: 28 of 1,210,843 alleles (0.0023%); highest among the groups gnomAD compares: Admixed American, 0.02%; no homozygotes.

Submissions (2):

Ambry Genetics
Classification: Likely benign for Inborn genetic diseases. Last evaluated: 2016-09-30. Review status: criteria provided, single submitter. Criteria: Ambry Variant Classification Scheme 2023. Collection method: clinical testing. Allele origin: germline.

PreventionGenetics, part of Exact Sciences
Classification: Likely benign for RAB39B-related condition. Last evaluated: 2019-10-14. Review status: no assertion criteria provided. Collection method: clinical testing. Allele origin: germline. Not counted in ClinVar's aggregate classification.
Comment: This variant is classified as likely benign based on ACMG/AMP sequence variant interpretation guidelines (Richards et al. 2015 PMID: 25741868, with internal and published modifications).

NM_171998.4(RAB39B):c.96C>T (p.Arg32=)

Gene: RAB39B (RAB39B, member RAS oncogene family; minus strand). Cytogenetic location: Xq28.
Variant type: single nucleotide variant.
Coding change: c.96C>T on transcript NM_171998.4 (MANE Select); coding-DNA position 96, C replaced by T.
Protein change: p.Arg32=; no amino-acid change (arginine 32 retained).
Molecular consequence: synonymous variant.
Genome position (GRCh38, 1-based): chrX:155,264,193, G>A on the plus strand (C>T on the coding strand, the complement: RAB39B is on the minus strand). VCF-style: chrX-155264193-G-A. GRCh37 (hg19) VCF-style: chrX-154493478-G-A.
Other names: c.96C>T (NM_171998.3).
Identifiers: ClinVar variation 588305 (VCV000588305.7), dbSNP rs181687825, ClinGen allele CA10569248.